The following is an entry in ClinVar:

ClinVar aggregate classification (germline): Uncertain significance. Review status: criteria provided, multiple submitters, no conflicts (2 of 4 stars). 3 submissions from 3 submitters: Uncertain significance (3). Last evaluated 2026-01-24.

Conditions:
Intellectual disability, autosomal dominant 16 (CSS4). Also called: COFFIN-SIRIS SYNDROME 4. Identifiers: Orphanet 1465, MedGen C3553249, MONDO:0013821, OMIM 614609.
Hereditary cancer-predisposing syndrome. Also called: Tumor predisposition; Hereditary Cancer Syndrome; Neoplastic Syndromes, Hereditary; Hereditary neoplastic syndrome. Identifiers: Orphanet 140162, MedGen C0027672, MeSH D009386, MONDO:0015356.
Rhabdoid tumor predisposition syndrome 2 (RTPS2). Identifiers: Orphanet 231108, Orphanet 69077, MedGen C2750074, MONDO:0013224, OMIM 613325.

Allele frequency attached by ClinVar (database versions not stated): TOPMed below 0.00001; gnomAD 0.00001; gnomAD exomes 0.00002.
gnomAD v4.1: 26 of 1,598,622 alleles (0.0016%); highest among the groups gnomAD compares: Non-Finnish European, 0.0021%; no homozygotes.

Submissions (3):

Labcorp Genetics (formerly Invitae), Labcorp
Classification: Uncertain significance for Rhabdoid tumor predisposition syndrome 2. Last evaluated: 2026-01-24. Review status: criteria provided, single submitter. Criteria: Invitae Variant Classification Sherloc (09022015). Collection method: clinical testing. Allele origin: germline.
Comment: This sequence change replaces proline, which is neutral and non-polar, with serine, which is neutral and polar, at codon 320 of the SMARCA4 protein (p.Pro320Ser). This variant is present in population databases (no rsID available, gnomAD 0.007%). This variant has not been reported in the literature in individuals affected with SMARCA4-related conditions. ClinVar contains an entry for this variant (Variation ID: 823344). Invitae Evidence Modeling of protein sequence and biophysical properties (such as structural, functional, and spatial information, amino acid conservation, physicochemical variation, residue mobility, and thermodynamic stability) indicates that this missense variant is not expected to disrupt SMARCA4 protein function with a negative predictive value of 95%. In summary, the available evidence is currently insufficient to determine the role of this variant in disease. Therefore, it has been classified as a Variant of Uncertain Significance.

Ambry Genetics
Classification: Uncertain significance for Hereditary cancer-predisposing syndrome. Last evaluated: 2025-05-07. Review status: criteria provided, single submitter. Criteria: Ambry Variant Classification Scheme 2023. Collection method: clinical testing. Allele origin: germline.
Comment: The p.P320S variant (also known as c.958C>T), located in coding exon 5 of the SMARCA4 gene, results from a C to T substitution at nucleotide position 958. The proline at codon 320 is replaced by serine, an amino acid with similar properties. This amino acid position is well conserved in available vertebrate species. In addition, the in silico prediction for this alteration is inconclusive. Missense and in-frame variants in SMARCA4 are known to cause neurodevelopmental disorders; however, such associations with rhabdoid tumor predisposition syndrome including small cell carcinoma of the ovary-hypercalcemic type (SCCOHT) are exceedingly rare (Kosho T et al. Am J Med Genet C Semin Med Genet. 2014 Sep;166C(3):262-75; Jelinic P et al. Nat Genet. 2014 May;46(5):424-6). Based on the supporting evidence, the association of this alteration with Coffin-Siris syndrome is unknown; however, the association of this alteration with rhabdoid tumor predisposition syndrome is unlikely.

Genome-Nilou Lab
Classification: Uncertain significance for Intellectual disability, autosomal dominant 16. Last evaluated: 2021-07-15. Review status: criteria provided, single submitter. Criteria: ACMG Guidelines, 2015. Collection method: clinical testing. Allele origin: germline. Affected: no.

NM_003072.5(SMARCA4):c.958C>T (p.Pro320Ser)

Gene: SMARCA4 (SWI/SNF related BAF chromatin remodeling complex subunit ATPase 4; plus strand). Cytogenetic location: 19p13.2.
Variant type: single nucleotide variant.
Coding change: c.958C>T on transcript NM_003072.5 (MANE Select); coding-DNA position 958, C replaced by T.
Protein change: p.Pro320Ser; replaces proline 320 with serine.
Molecular consequence: missense variant. On other transcripts: non-coding transcript variant (1).
Genome position (GRCh38, 1-based): chr19:10,987,764, C>T. VCF-style: chr19-10987764-C-T. GRCh37 (hg19) VCF-style: chr19-11098440-C-T.
Other names: c.958C>T, p.Pro320Ser (NM_001128844.3, NM_001128845.2, NM_001128846.2 and 4 more transcripts); short protein forms P320S.
Identifiers: ClinVar variation 823344 (VCV000823344.17), dbSNP rs1460796481, ClinGen allele CA404058528.